The following is an entry in ClinVar:

NM_003640.5(ELP1):c.1380C>T (p.Asp460=)

Gene: ELP1 (elongator acetyltransferase complex subunit 1; minus strand). Cytogenetic location: 9q31.3.
Variant type: single nucleotide variant.
Coding change: c.1380C>T on transcript NM_003640.5 (MANE Select); coding-DNA position 1380, C replaced by T.
Protein change: p.Asp460=; no amino-acid change (aspartic acid 460 retained).
Molecular consequence: synonymous variant.
Genome position (GRCh38, 1-based): chr9:108,908,385, G>A on the plus strand (C>T on the coding strand, the complement: ELP1 is on the minus strand). VCF-style: chr9-108908385-G-A. GRCh37 (hg19) VCF-style: chr9-111670665-G-A.
Other names: c.1038C>T, p.Asp346= (NM_001318360.2); c.333C>T, p.Asp111= (NM_001330749.2).
Identifiers: ClinVar variation 2809459 (VCV002809459.17), dbSNP rs908952171, ClinGen allele CA197541748.

ClinVar aggregate classification (germline): Likely benign. Review status: criteria provided, multiple submitters, no conflicts (2 of 4 stars). 2 submissions from 2 submitters: Likely benign (2). Last evaluated 2026-01-18.

Allele frequency attached by ClinVar (database versions not stated): TOPMed below 0.00001.
gnomAD v4.1: 1 of 1,614,008 alleles (0.000062%); no homozygotes.

Submissions (2):

Labcorp Genetics (formerly Invitae), Labcorp
Classification: Likely benign. Last evaluated: 2026-01-18. Review status: criteria provided, single submitter. Criteria: Invitae Variant Classification Sherloc (09022015). Collection method: clinical testing. Allele origin: germline.

CeGaT Center for Human Genetics Tuebingen
Classification: Likely benign. Last evaluated: 2024-10-01. Review status: criteria provided, single submitter. Criteria: CeGaT Center For Human Genetics Tuebingen Variant Classification Criteria Version 2. Collection method: clinical testing. Allele origin: germline. Affected: yes. Observed: 2 variant alleles.
Comment: ELP1: BP4, BP7